The following is an entry in ClinVar:

ClinVar aggregate classification (germline): Pathogenic (1 of 4 stars; one submission).

Conditions:
Familial cancer of breast. Also called: BREAST CANCER, FAMILIAL; hereditary breast carcinoma; Hereditary breast cancer. Identifiers: Orphanet 227535, MedGen C0346153, MONDO:0016419, OMIM 114480. Disease mechanism: loss of function.

Submission:

Myriad Genetics, Inc.
Classification: Pathogenic for Familial cancer of breast. Last evaluated: 2023-06-28. Review status: criteria provided, single submitter. Criteria: Myriad Autosomal Dominant, Autosomal Recessive and X-Linked Classification Criteria (2023). Collection method: clinical testing. Allele origin: unknown.
Comment: This variant is considered pathogenic. This variant creates a frameshift predicted to result in premature protein truncation.

NM_007194.4(CHEK2):c.1131_1132del (p.Glu377fs)

Gene: CHEK2 (checkpoint kinase 2; minus strand). Cytogenetic location: 22q12.1.
Variant type: Microsatellite.
Coding change: c.1131_1132del on transcript NM_007194.4 (MANE Select); coding-DNA positions 1131 to 1132, 2 bases deleted (GA; older notation c.1131_1132delGA).
Protein change: p.Glu377fs; shifts the reading frame from glutamic acid 377.
Molecular consequence: frameshift variant.
Genome position (GRCh38, 1-based): chr22:28,695,837-28,695,838, TC deleted on the plus strand (GA on the coding strand, the reverse complement: CHEK2 is on the minus strand); deleting any 2 consecutive bases within chr22:28,695,837-28,695,842 gives the same sequence; the c. name uses the placement nearest the transcript's 3' end. VCF-style (leftmost placement, unchanged base first): chr22-28695836-GTC-G. GRCh37 (hg19) VCF-style: chr22-29091824-GTC-G.
Other names: c.1256_1257GA[2], p.Glu420Aspfs (NM_001005735.3); c.464_465GA[2], p.Glu156Aspfs (NM_001257387.3); c.926_927GA[2], p.Glu310Aspfs (NM_001349956.3); c.1040_1041GA[2], p.Glu348Aspfs (NM_145862.3); short protein forms E156fs, E310fs, E348fs, E377fs, E420fs.
Identifiers: ClinVar variation 2584207 (VCV002584207.2), dbSNP rs2517809138, ClinGen allele CA2582342795.